The following is an entry in ClinVar:

ClinVar aggregate classification (germline): Likely pathogenic (1 of 4 stars; one submission).

Conditions:
Intellectual developmental disorder, autosomal recessive 58. Also called: Intellectual disability, autosomal recessive 58. Identifiers: MedGen C4310641, MONDO:0014996, OMIM 617270.

gnomAD v4.1: 15 of 1,614,046 alleles (0.00093%); highest among the groups gnomAD compares: South Asian, 0.0033%; no homozygotes.

Submission:

First Genomix Gene Laboratory, Genetic Diagnostics Department
Classification: Likely pathogenic for Intellectual developmental disorder, autosomal recessive 58. Last evaluated: 2025-03-14. Review status: criteria provided, single submitter. Criteria: ACMG Guidelines, 2015. Collection method: clinical testing. Allele origin: germline. Inheritance: Autosomal recessive inheritance. Affected: no. Observed: 1 variant allele.

NM_018255.4(ELP2):c.2209C>T (p.Arg737Ter)

Gene: ELP2 (elongator acetyltransferase complex subunit 2; plus strand). Cytogenetic location: 18q12.2.
Variant type: single nucleotide variant.
Coding change: c.2209C>T on transcript NM_018255.4 (MANE Select); coding-DNA position 2209, C replaced by T.
Protein change: p.Arg737Ter; replaces arginine 737 with a stop codon.
Molecular consequence: nonsense. On other transcripts: non-coding transcript variant (3).
Genome position (GRCh38, 1-based): chr18:36,170,195, C>T. VCF-style: chr18-36170195-C-T. GRCh37 (hg19) VCF-style: chr18-33750158-C-T.
Other names: c.2404C>T, p.Arg802Ter (NM_001242875.3); c.2194C>T, p.Arg732Ter (NM_001242876.3); c.2131C>T, p.Arg711Ter (NM_001242877.3); c.1999C>T, p.Arg667Ter (NM_001242878.3, NM_001242879.3); c.2077C>T, p.Arg693Ter (NM_001324465.2); c.2326C>T, p.Arg776Ter (NM_001324466.2); c.2059C>T, p.Arg687Ter (NM_001324467.2); c.1762C>T, p.Arg588Ter (NM_001324468.2); short protein forms R588*, R667*, R687*, R693*, R711*, R732*, R737*, R776*.
Identifiers: ClinVar variation 4845862 (VCV004845862.1).
Genomic context (GRCh38, chr18:36,170,195, plus strand): 5'-CTGGACGTGGGTGGGGCTGTGACAGCTGTCAGCGTCTGCCCAGTGCTCCACCCTTCTCAA[C>T]GGTCAGTCTCTGTGTGGGGCTTAGTTTTAAGAGGACCACTTGGTTTCTTAATATGTAGCC-3'